The following is an entry in ClinVar:

ClinVar aggregate classification (germline): Uncertain significance. Review status: criteria provided, multiple submitters, no conflicts (2 of 4 stars). 4 submissions from 4 submitters: Uncertain significance (4). Last evaluated 2025-11-21.

Conditions:
Cardiomyopathy (CMYO). Also called: Cardiomyopathies. Identifiers: Orphanet 167848, MedGen C0878544, MONDO:0004994, HP:0001638. Inheritance: Various modes of inheritance.
Cardiovascular phenotype. Identifiers: MedGen CN230736.
Arrhythmogenic right ventricular dysplasia 9 (ARVD9). Also called: Arrhythmogenic Right Ventricular Dysplasia/Cardiomyopathy 9; ARRHYTHMOGENIC RIGHT VENTRICULAR DYSPLASIA, FAMILIAL, 9. Identifiers: MedGen C1836906, MONDO:0012180, OMIM 609040.

Allele frequency attached by ClinVar (database versions not stated): gnomAD 0.00002 and 0.00003; TOPMed 0.00003.
gnomAD v4.1: 4 of 1,614,040 alleles (0.00025%); highest among the groups gnomAD compares: African/African-American, 0.004%; no homozygotes.

Submissions (4):

Labcorp Genetics (formerly Invitae), Labcorp
Classification: Uncertain significance for Arrhythmogenic right ventricular dysplasia 9. Last evaluated: 2025-11-21. Review status: criteria provided, single submitter. Criteria: Invitae Variant Classification Sherloc (09022015). Collection method: clinical testing. Allele origin: germline.
Comment: This sequence change replaces glutamic acid, which is acidic and polar, with aspartic acid, which is acidic and polar, at codon 700 of the PKP2 protein (p.Glu700Asp). This variant is not present in population databases (gnomAD no frequency). This missense change has been observed in individual(s) with dilated cardiomyopathy (PMID: 31983221). ClinVar contains an entry for this variant (Variation ID: 464419). An algorithm developed to predict the effect of missense changes on protein structure and function (PolyPhen-2) suggests that this variant is likely to be disruptive. In summary, the available evidence is currently insufficient to determine the role of this variant in disease. Therefore, it has been classified as a Variant of Uncertain Significance.

Ambry Genetics
Classification: Uncertain significance for Cardiovascular phenotype. Last evaluated: 2024-12-16. Review status: criteria provided, single submitter. Criteria: Ambry Variant Classification Scheme 2023. Collection method: clinical testing. Allele origin: germline.
Comment: The p.E700D variant (also known as c.2100A>T), located in coding exon 10 of the PKP2 gene, results from an A to T substitution at nucleotide position 2100. The glutamic acid at codon 700 is replaced by aspartic acid, an amino acid with highly similar properties. This variant was reported in individuals in a dilated cardiomyopathy (DCM) cohort and an arrhythmogenic right ventricular cardiomyopathy (ARVC) cohort, but clinical details were limited (Mazzarotto F et al. Circulation, 2020 Feb;141:387-398; Dries AM et al. Genet Med, 2021 Oct;23:1961-1968). This amino acid position is highly conserved in available vertebrate species. In addition, the in silico prediction for this alteration is inconclusive. Based on the available evidence, the clinical significance of this variant remains unclear.

Color Diagnostics, LLC DBA Color Health
Classification: Uncertain significance for Cardiomyopathy. Last evaluated: 2024-02-14. Review status: criteria provided, single submitter. Criteria: ACMG Guidelines, 2015. Collection method: clinical testing. Allele origin: germline.
Comment: This missense variant replaces glutamic acid with aspartic acid at codon 700 of the PKP2 protein. Computational prediction suggests that this variant may not impact protein structure and function (internally defined REVEL score threshold <= 0.5, PMID: 27666373). To our knowledge, functional studies have not been reported for this variant. This variant has been reported in an individual with a diagnosis of sudden cardiac death (PMID: 34120153) and an individual with dilated cardiomyopathy (PMID: 31983221). This variant has not been identified in the general population by the Genome Aggregation Database (gnomAD). The available evidence is insufficient to determine the role of this variant in disease conclusively. Therefore, this variant is classified as a Variant of Uncertain Significance.

GeneDx
Classification: Uncertain significance. Last evaluated: 2022-04-26. Review status: criteria provided, single submitter. Criteria: GeneDx Variant Classification Process June 2021. Collection method: clinical testing. Allele origin: germline. Affected: yes.
Comment: Reported in association with cardiomyopathy (Mazzarotto et al., 2020); however, specific clinical information was not provided; Not observed at significant frequency in large population cohorts (gnomAD); In silico analysis supports that this missense variant has a deleterious effect on protein structure/function; This variant is associated with the following publications: (PMID: 31983221)

Literature cited by the submitters: PubMed 31983221 (cited by 3 submitters); PubMed 34120153 (cited by Ambry Genetics and Color Diagnostics, LLC DBA Color Health).

NM_001005242.3(PKP2):c.1968A>T (p.Glu656Asp)

Gene: PKP2 (plakophilin 2; minus strand). Cytogenetic location: 12p11.21.
Variant type: single nucleotide variant.
Coding change: c.1968A>T on transcript NM_001005242.3 (MANE Select); coding-DNA position 1968, A replaced by T.
Protein change: p.Glu656Asp; replaces glutamic acid 656 with aspartic acid.
Molecular consequence: missense variant.
Genome position (GRCh38, 1-based): chr12:32,821,401, T>A on the plus strand (A>T on the coding strand, the complement: PKP2 is on the minus strand). VCF-style: chr12-32821401-T-A. GRCh37 (hg19) VCF-style: chr12-32974335-T-A.
Other names: c.2100A>T, p.Glu700Asp (NM_004572.4); short protein forms E700D, E656D.
Identifiers: ClinVar variation 464419 (VCV000464419.17), dbSNP rs879210282, ClinGen allele CA235235019.